The following is an entry in ClinVar:

NM_007294.4(BRCA1):c.5054C>A (p.Thr1685Asn)

Gene: BRCA1 (BRCA1 DNA repair associated; minus strand). Cytogenetic location: 17q21.31.
Variant type: single nucleotide variant.
Coding change: c.5054C>A on transcript NM_007294.4 (MANE Select); coding-DNA position 5054, C replaced by A.
Protein change: p.Thr1685Asn; replaces threonine 1685 with asparagine.
Molecular consequence: missense variant. On other transcripts: non-coding transcript variant (1).
Genome position (GRCh38, 1-based): chr17:43,067,628, G>T on the plus strand (C>A on the coding strand, the complement: BRCA1 is on the minus strand). VCF-style: chr17-43067628-G-T. GRCh37 (hg19) VCF-style: chr17-41219645-G-T.
Other names: c.4907C>A, p.Thr1636Asn (NM_001407839.1, NM_001407841.1, NM_001407842.1 and 12 more transcripts); c.5054C>A, p.Thr1685Asn (NM_001407854.1, NM_001407593.1, NM_001407594.1 and 8 more transcripts); c.5051C>A, p.Thr1684Asn (NM_001407858.1, NM_001407859.1, NM_001407860.1 and 17 more transcripts); c.5048C>A, p.Thr1683Asn (NM_001407861.1, NM_001407627.1, NM_001407628.1 and 14 more transcripts); c.4853C>A, p.Thr1618Asn (NM_001407862.1); c.4928C>A, p.Thr1643Asn (NM_001407863.1, NM_001407670.1, NM_001407671.1 and 11 more transcripts); c.4847C>A, p.Thr1616Asn (NM_001407874.1, NM_001407875.1); c.4841C>A, p.Thr1614Asn (NM_001407896.1, NM_001407897.1, NM_001407898.1 and 12 more transcripts); and 70 more; short protein forms T1685N, T581N, T1638N, T1706N, T1388N, T1516N, T1556N, T1557N.
Identifiers: ClinVar variation 864885 (VCV000864885.3), dbSNP rs80357043, ClinGen allele CA10591411.

Conditions:
Breast-ovarian cancer, familial, susceptibility to, 1 (BROVCA1). Also called: BRCA1 Hereditary Breast and Ovarian Cancer; OVARIAN CANCER, SUSCEPTIBILITY TO. Identifiers: Orphanet 145, MedGen C2676676, MONDO:0011450, OMIM 604370. Disease mechanism: loss of function.

Submission:

Brotman Baty Institute, University of Washington
No classification provided (evidence only). Condition: Breast-ovarian cancer, familial 1. Review status: no classification provided. Collection method: in vitro. Allele origin: not applicable. Functional consequence: functionally_abnormal.
ClinVar note: "not provided" was previously submitted as the classification for the variant. However, the classification appeared to be based only on an observation of functional data so it was converted to no classification on 2025-07-30.